The following is an entry in ClinVar:

NM_001042492.3(NF1):c.925G>A (p.Gly309Ser)

Gene: NF1 (neurofibromin 1; plus strand). Cytogenetic location: 17q11.2.
Variant type: single nucleotide variant.
Coding change: c.925G>A on transcript NM_001042492.3 (MANE Select); coding-DNA position 925, G replaced by A.
Protein change: p.Gly309Ser; replaces glycine 309 with serine.
Molecular consequence: missense variant.
Genome position (GRCh38, 1-based): chr17:31,200,458, G>A. VCF-style: chr17-31200458-G-A. GRCh37 (hg19) VCF-style: chr17-29527476-G-A.
Other names: c.925G>A, p.Gly309Ser (NM_000267.4, NM_001128147.3); short protein forms G309S.
Identifiers: ClinVar variation 1766370 (VCV001766370.2), dbSNP rs2143872464, ClinGen allele CA398995641.

ClinVar aggregate classification (germline): Uncertain significance (1 of 4 stars; one submission).

Conditions:
Cardiovascular phenotype. Identifiers: MedGen CN230736.
Hereditary cancer-predisposing syndrome. Also called: Hereditary Cancer Syndrome; Hereditary neoplastic syndrome; Neoplastic Syndromes, Hereditary; Tumor predisposition. Identifiers: Orphanet 140162, MedGen C0027672, MeSH D009386, MONDO:0015356.

Submission:

Ambry Genetics
Classification: Uncertain significance for Cardiovascular phenotype; Hereditary cancer-predisposing syndrome. Last evaluated: 2022-07-30. Review status: criteria provided, single submitter. Criteria: Ambry Variant Classification Scheme 2023. Collection method: clinical testing. Allele origin: germline.
Comment: The p.G309S variant (also known as c.925G>A), located in coding exon 9 of the NF1 gene, results from a G to A substitution at nucleotide position 925. The glycine at codon 309 is replaced by serine, an amino acid with similar properties. This amino acid position is conserved. In addition, the in silico prediction for this alteration is inconclusive. Since supporting evidence is limited at this time, the clinical significance of this alteration remains unclear.